The following is an entry in ClinVar:

ClinVar aggregate classification (germline): Uncertain significance (1 of 4 stars; one submission).

Conditions:
LAMA2-related muscular dystrophy (LAMA2-RD). Also called: Laminin alpha 2-related dystrophy. Identifiers: MedGen C5679788, MONDO:0100228.

Submission:

Labcorp Genetics (formerly Invitae), Labcorp
Classification: Uncertain significance for LAMA2-related muscular dystrophy. Last evaluated: 2023-07-03. Review status: criteria provided, single submitter. Criteria: Invitae Variant Classification Sherloc (09022015). Collection method: clinical testing. Allele origin: germline.
Comment: This variant is not present in population databases (gnomAD no frequency). In summary, the available evidence is currently insufficient to determine the role of this variant in disease. Therefore, it has been classified as a Variant of Uncertain Significance. Advanced modeling of protein sequence and biophysical properties (such as structural, functional, and spatial information, amino acid conservation, physicochemical variation, residue mobility, and thermodynamic stability) performed at Invitae indicates that this missense variant is not expected to disrupt LAMA2 protein function. ClinVar contains an entry for this variant (Variation ID: 1492190). This variant has not been reported in the literature in individuals affected with LAMA2-related conditions. This sequence change replaces glutamine, which is neutral and polar, with arginine, which is basic and polar, at codon 383 of the LAMA2 protein (p.Gln383Arg).

NM_000426.4(LAMA2):c.1148A>G (p.Gln383Arg)

Gene: LAMA2 (laminin subunit alpha 2; plus strand). Cytogenetic location: 6q22.33.
Variant type: single nucleotide variant.
Coding change: c.1148A>G on transcript NM_000426.4 (MANE Select); coding-DNA position 1148, A replaced by G.
Protein change: p.Gln383Arg; replaces glutamine 383 with arginine.
Molecular consequence: missense variant.
Genome position (GRCh38, 1-based): chr6:129,154,625, A>G. VCF-style: chr6-129154625-A-G. GRCh37 (hg19) VCF-style: chr6-129475770-A-G.
Other names: c.1148A>G, p.Gln383Arg (NM_001079823.2); short protein forms Q383R.
Identifiers: ClinVar variation 1492190 (VCV001492190.6), dbSNP rs2114976458, ClinGen allele CA365607019.